The following is an entry in ClinVar:

ClinVar aggregate classification (germline): Uncertain significance (1 of 4 stars; one submission).

Allele frequency attached by ClinVar (database versions not stated): ExAC 0.00002; gnomAD exomes 0.00002; gnomAD 0.00005; TOPMed 0.00005.

Submission:

Labcorp Genetics (formerly Invitae), Labcorp
Classification: Uncertain significance. Last evaluated: 2022-08-21. Review status: criteria provided, single submitter. Criteria: Invitae Variant Classification Sherloc (09022015). Collection method: clinical testing. Allele origin: germline.
Comment: This sequence change affects codon 119 of the TTPA mRNA. It is a 'silent' change, meaning that it does not change the encoded amino acid sequence of the TTPA protein. It affects a nucleotide within the consensus splice site. This variant is present in population databases (rs758030471, gnomAD 0.06%). This variant has not been reported in the literature in individuals affected with TTPA-related conditions. Algorithms developed to predict the effect of sequence changes on RNA splicing suggest that this variant is not likely to affect RNA splicing. In summary, the available evidence is currently insufficient to determine the role of this variant in disease. Therefore, it has been classified as a Variant of Uncertain Significance.

NM_000370.3(TTPA):c.357C>T (p.Ile119=)

Gene: TTPA (alpha tocopherol transfer protein; minus strand). Cytogenetic location: 8q12.3.
Variant type: single nucleotide variant.
Coding change: c.357C>T on transcript NM_000370.3 (MANE Select); coding-DNA position 357, C replaced by T.
Protein change: p.Ile119=; no amino-acid change (isoleucine 119 retained).
Molecular consequence: synonymous variant. On other transcripts: non-coding transcript variant (2), intron variant (2).
Genome position (GRCh38, 1-based): chr8:63,072,936, G>A on the plus strand (C>T on the coding strand, the complement: TTPA is on the minus strand). VCF-style: chr8-63072936-G-A. GRCh37 (hg19) VCF-style: chr8-63985495-G-A.
Other names: c.357C>T, p.Ile119= (NM_001413415.1, NM_001413416.1, NM_001413418.1); c.205-11511C>T (NM_001413417.1); c.205-8620C>T (NM_001413414.1).
Identifiers: ClinVar variation 2197479 (VCV002197479.1), dbSNP rs758030471, ClinGen allele CA4763272.
Genomic context (GRCh38, chr8:63,072,936, plus strand): 5'-GAGGGAACACAACTGAACTGGAGGAGAGGAGAAAAAAAAAAGAGTTGTGTATGACTTACC[G>A]ATTCTGTAAATAAGAACTTTGCTGCCAGTGGGATCCCTGGATCTCAGGACTCCATGGTAG-3'
Protein context (NP_000361.1, residues 109-129): PTGSKVLIYR[Ile119=]AHWDPKVFTA